The following is an entry in ClinVar:

NM_006084.5(IRF9):c.875G>A (p.Arg292His)

Gene: IRF9 (interferon regulatory factor 9; plus strand). Cytogenetic location: 14q12.
Variant type: single nucleotide variant.
Coding change: c.875G>A on transcript NM_006084.5 (MANE Select); coding-DNA position 875, G replaced by A.
Protein change: p.Arg292His; replaces arginine 292 with histidine.
Molecular consequence: missense variant. On other transcripts: intron variant (1).
Genome position (GRCh38, 1-based): chr14:24,164,839, G>A. VCF-style: chr14-24164839-G-A. GRCh37 (hg19) VCF-style: chr14-24634048-G-A.
Other names: c.902G>A, p.Arg301His (NM_001385400.1, NM_001385401.1); c.650-38G>A (NM_001385402.1); short protein forms R301H, R292H.
Identifiers: ClinVar variation 3681975 (VCV003681975.2).

ClinVar aggregate classification (germline): Uncertain significance (1 of 4 stars; one submission).

Submission:

Labcorp Genetics (formerly Invitae), Labcorp
Classification: Uncertain significance. Last evaluated: 2025-07-22. Review status: criteria provided, single submitter. Criteria: Invitae Variant Classification Sherloc (09022015). Collection method: clinical testing. Allele origin: germline.
Comment: This sequence change replaces arginine, which is basic and polar, with histidine, which is basic and polar, at codon 292 of the IRF9 protein (p.Arg292His). This variant is not present in population databases (gnomAD no frequency). This variant has not been reported in the literature in individuals affected with IRF9-related conditions. ClinVar contains an entry for this variant (Variation ID: 3681975). An algorithm developed to predict the effect of missense changes on protein structure and function (PolyPhen-2) suggests that this variant is likely to be disruptive. In summary, the available evidence is currently insufficient to determine the role of this variant in disease. Therefore, it has been classified as a Variant of Uncertain Significance.